The following is an entry in ClinVar:

NM_004715.5(CTDP1):c.1995G>A (p.Ala665=)

Gene: CTDP1 (CTD phosphatase subunit 1; plus strand). Cytogenetic location: 18q23.
Variant type: single nucleotide variant.
Coding change: c.1995G>A on transcript NM_004715.5 (MANE Select); coding-DNA position 1995, G replaced by A.
Protein change: p.Ala665=; no amino-acid change (alanine 665 retained).
Molecular consequence: synonymous variant.
Genome position (GRCh38, 1-based): chr18:79,715,455, G>A. VCF-style: chr18-79715455-G-A. GRCh37 (hg19) VCF-style: chr18-77475455-G-A.
Other names: p.Ala665=; c.1638G>A, p.Ala546= (NM_001202504.1); c.1995G>A, p.Ala665= (NM_001318511.2, NM_048368.4).
Identifiers: ClinVar variation 287694 (VCV000287694.8), dbSNP rs11549119, ClinGen allele CA9010423.

ClinVar aggregate classification (germline): Benign. Review status: criteria provided, multiple submitters, no conflicts (2 of 4 stars). 4 submissions from 4 submitters: Benign (4). Last evaluated 2018-04-12.

Allele frequency attached by ClinVar (database versions not stated): 1000 Genomes Project 0.05851; gnomAD 0.03715 and 0.04131; TOPMed 0.03773; 1000 Genomes Project 30x 0.05668; ESP Exome Variant Server 0.04048.
gnomAD v4.1: 78,533 of 1,589,166 alleles (4.9%); highest among the groups gnomAD compares: South Asian, 15%; 2,585 homozygotes.

Submissions (4):

GeneDx
Classification: Benign. Last evaluated: 2018-04-12. Review status: criteria provided, single submitter. Criteria: GeneDx Variant Classification (06012015). Collection method: clinical testing. Allele origin: germline. Affected: yes.
Comment: This variant is considered likely benign or benign based on one or more of the following criteria: it is a conservative change, it occurs at a poorly conserved position in the protein, it is predicted to be benign by multiple in silico algorithms, and/or has population frequency not consistent with disease.

Eurofins Ntd Llc (ga)
Classification: Benign. Last evaluated: 2016-04-29. Review status: criteria provided, single submitter. Criteria: EGL Classification Definitions 2015. Collection method: clinical testing. Allele origin: germline. Observed: 1 variant allele, 1 heterozygote.

Mayo Clinic Laboratories, Mayo Clinic
Classification: Benign. Last evaluated: 2016-04-22. Review status: criteria provided, single submitter. Criteria: ACMG Guidelines, 2015. Collection method: clinical testing. Allele origin: germline. Observed: 266 variant alleles.

Breakthrough Genomics
Classification: Benign. Review status: criteria provided, single submitter. Criteria: ACMG Guidelines, 2015. Collection method: not provided. Allele origin: germline. Inheritance: Autosomal recessive inheritance. Affected: yes.